The following is an entry in ClinVar:

ClinVar aggregate classification (germline): Benign. Review status: criteria provided, multiple submitters, no conflicts (2 of 4 stars). 2 submissions from 2 submitters: Benign (2). Last evaluated 2018-01-13.

Conditions:
Beta-D-mannosidosis (MANSB). Also called: LYSOSOMAL BETA-MANNOSIDASE DEFICIENCY; Beta-Mannosidosis; MANNOSIDOSIS, BETA A, LYSOSOMAL; BETA-MANNOSIDASE DEFICIENCY. Identifiers: Orphanet 118, MedGen C4048196, MONDO:0009562, OMIM 248510.

Allele frequency attached by ClinVar (database versions not stated): gnomAD exomes 0.50944; gnomAD 0.54958 and 0.55336; 1000 Genomes Project 30x 0.56059; 1000 Genomes Project 0.55032; TOPMed 0.56667.
gnomAD v4.1: 233,999 of 446,354 alleles (52%); highest among the groups gnomAD compares: Admixed American, 64%; 62,577 homozygotes.

Submissions (2):

Illumina Laboratory Services, Illumina
Classification: Benign for Beta-D-mannosidosis. Last evaluated: 2018-01-13. Review status: criteria provided, single submitter. Criteria: ICSL Variant Classification Criteria 13 December 2019. Collection method: clinical testing. Allele origin: germline.
Comment: This variant was observed in the ICSL laboratory as part of a predisposition screen in an ostensibly healthy population. It had not been previously curated by ICSL or reported in the Human Gene Mutation Database (HGMD: prior to June 1st, 2018), and was therefore a candidate for classification through an automated scoring system. Utilizing variant allele frequency, disease prevalence and penetrance estimates, and inheritance mode, an automated score was calculated to assess if this variant is too frequent to cause the disease. Based on the score and internal cut-off values, a variant classified as benign is not then subjected to further curation. The score for this variant resulted in a classification of benign for this disease.

Breakthrough Genomics
Classification: Benign. Review status: criteria provided, single submitter. Criteria: ACMG Guidelines, 2015. Collection method: not provided. Allele origin: germline. Inheritance: Autosomal recessive inheritance. Affected: yes.

NM_005908.4(MANBA):c.*401G>A

Gene: MANBA (mannosidase beta; minus strand). Cytogenetic location: 4q24.
Variant type: single nucleotide variant.
Coding change: c.*401G>A on transcript NM_005908.4 (MANE Select); 401 bases downstream of the stop codon, G replaced by A.
Molecular consequence: 3 prime UTR variant.
Genome position (GRCh38, 1-based): chr4:102,631,656, C>T on the plus strand (G>A on the coding strand, the complement: MANBA is on the minus strand). VCF-style: chr4-102631656-C-T. GRCh37 (hg19) VCF-style: chr4-103552813-C-T.
Identifiers: ClinVar variation 347067 (VCV000347067.6), dbSNP rs4013, ClinGen allele CA10616832.